The following is an entry in ClinVar:

NM_006031.6(PCNT):c.2455G>A (p.Gly819Ser)

Gene: PCNT (pericentrin; plus strand). Cytogenetic location: 21q22.3.
Variant type: single nucleotide variant.
Coding change: c.2455G>A on transcript NM_006031.6 (MANE Select); coding-DNA position 2455, G replaced by A.
Protein change: p.Gly819Ser; replaces glycine 819 with serine.
Molecular consequence: missense variant.
Genome position (GRCh38, 1-based): chr21:46,363,780, G>A. VCF-style: chr21-46363780-G-A. GRCh37 (hg19) VCF-style: chr21-47783695-G-A.
Other names: c.2101G>A, p.Gly701Ser (NM_001315529.2); short protein forms G701S, G819S.
Identifiers: ClinVar variation 3354399 (VCV003354399.2).

ClinVar aggregate classification (germline): Uncertain significance. Review status: criteria provided, single submitter (1 of 4 stars). 2 submissions from 2 submitters: Uncertain significance (1). 1 of the submissions does not count toward it. Last evaluated 2025-01-27.

Conditions:
PCNT-related disorder. Also called: PCNT-related condition.
Inborn genetic diseases. Identifiers: MedGen C0950123, MeSH D030342.

gnomAD v4.1: 1 of 1,613,824 alleles (0.000062%); highest among the groups gnomAD compares: Non-Finnish European, 0.000085%; no homozygotes.

Submissions (2):

Ambry Genetics
Classification: Uncertain significance for Inborn genetic diseases. Last evaluated: 2025-01-27. Review status: criteria provided, single submitter. Criteria: Ambry Variant Classification Scheme 2023. Collection method: clinical testing. Allele origin: germline.

PreventionGenetics, part of Exact Sciences
Classification: Uncertain significance for PCNT-related condition. Last evaluated: 2024-09-27. Review status: no assertion criteria provided. Collection method: clinical testing. Allele origin: germline. Not counted in ClinVar's aggregate classification.
Comment: The PCNT c.2455G>A variant is predicted to result in the amino acid substitution p.Gly819Ser. To our knowledge, this variant has not been reported in the literature. This variant is reported in 0.0062% of alleles in individuals of African descent in gnomAD. At this time, the clinical significance of this variant is uncertain due to the absence of conclusive functional and genetic evidence.